The following is an entry in ClinVar:

NM_000498.3(CYP11B2):c.*993A>G

Genes: CYP11B2 (cytochrome P450 family 11 subfamily B member 2; minus strand), LOC106799834 (CYP11B2 recombination region; plus strand). Cytogenetic location: 8q24.3.
Variant type: single nucleotide variant.
Coding change: c.*993A>G on transcript NM_000498.3 (MANE Select); 993 bases downstream of the stop codon, A replaced by G.
Molecular consequence: 3 prime UTR variant.
Genome position (GRCh38, 1-based): chr8:142,910,987, T>C on the plus strand (A>G on the coding strand, the complement: CYP11B2 is on the minus strand). VCF-style: chr8-142910987-T-C. GRCh37 (hg19) VCF-style: chr8-143992403-T-C.
Identifiers: ClinVar variation 911201 (VCV000911201.4), dbSNP rs61763989, ClinGen allele CA187452498.

ClinVar aggregate classification (germline): Uncertain significance. Review status: criteria provided, single submitter (1 of 4 stars). 3 submissions from 1 submitter: Uncertain significance (3). Last evaluated 2017-05-25.

Conditions:
Corticosterone methyloxidase type 2 deficiency. Also called: 18-OXIDASE DEFICIENCY; ALDOSTERONE DEFICIENCY DUE TO DEFICIENCY OF STEROID 18-OXIDASE; ALDOSTERONE DEFICIENCY II; CMO II DEFICIENCY; STEROID 18-OXIDASE DEFICIENCY. Identifiers: Orphanet 427, MedGen C3463917, MONDO:0012524, OMIM 610600. Disease mechanism: loss of function.
Glucocorticoid-remediable aldosteronism. Also called: Hyperaldosteronism, familial, type I; ACTH-DEPENDENT HYPERALDOSTERONISM SYNDROME; ALDOSTERONISM, SENSITIVE TO DEXAMETHASONE; FH I; GLUCOCORTICOID-SUPPRESSIBLE HYPERALDOSTERONISM. Identifiers: Orphanet 403, MedGen C3838731, MONDO:0007080, OMIM 103900.
Corticosterone 18-monooxygenase deficiency. Also called: 18 Hydroxylase deficiency; Aldosterone deficiency due to defect in 18 hydroxylase; Aldosterone deficiency 1; 18 alpha hydroxylase deficiency; Corticosterone methyloxidase type 1 deficiency; CMO 1 deficiency. Identifiers: Orphanet 427, MedGen C0268293, MONDO:0008751, OMIM 203400. Disease mechanism: loss of function.

Allele frequency attached by ClinVar (database versions not stated): gnomAD 0.00012 and 0.00013; TOPMed 0.00012.

Submissions (3):

Illumina Laboratory Services, Illumina
Classification: Uncertain significance for Hyperaldosteronism, familial, type I. Last evaluated: 2017-05-25. Review status: criteria provided, single submitter. Criteria: ICSL Variant Classification Criteria 13 December 2019. Collection method: clinical testing. Allele origin: germline.
Comment: This variant was observed as part of a predisposition screen in an ostensibly healthy population. A literature search was performed for the gene, cDNA change, and amino acid change (where applicable). Publications were found based on this search. However, the evidence from the literature, in combination with allele frequency data from public databases where available, was not sufficient to rule this variant in or out of causing disease. Therefore, this variant is classified as a variant of unknown significance.

Illumina Laboratory Services, Illumina
Classification: Uncertain significance for Corticosterone methyloxidase type 2 deficiency. Last evaluated: 2017-05-25. Review status: criteria provided, single submitter. Criteria: ICSL Variant Classification Criteria 13 December 2019. Collection method: clinical testing. Allele origin: germline.
Comment: the same text as in the submission from Illumina Laboratory Services, Illumina above.

Illumina Laboratory Services, Illumina
Classification: Uncertain significance for Corticosterone 18-monooxygenase deficiency. Last evaluated: 2017-05-25. Review status: criteria provided, single submitter. Criteria: ICSL Variant Classification Criteria 13 December 2019. Collection method: clinical testing. Allele origin: germline.
Comment: the same text as in the submission from Illumina Laboratory Services, Illumina above.

Literature cited by the submitters: PubMed 25102047.